The following is an entry in ClinVar:

NM_133496.5(SLC30A7):c.910A>G (p.Ser304Gly)

Gene: SLC30A7 (solute carrier family 30 member 7; plus strand). Cytogenetic location: 1p21.2.
Variant type: single nucleotide variant.
Coding change: c.910A>G on transcript NM_133496.5 (MANE Select); coding-DNA position 910, A replaced by G.
Protein change: p.Ser304Gly; replaces serine 304 with glycine.
Molecular consequence: missense variant.
Genome position (GRCh38, 1-based): chr1:100,961,895, A>G. VCF-style: chr1-100961895-A-G. GRCh37 (hg19) VCF-style: chr1-101427451-A-G.
Other names: c.910A>G, p.Ser304Gly (NM_001144884.2); short protein forms S304G.
Identifiers: ClinVar variation 1944235 (VCV001944235.5), dbSNP rs200148833, ClinGen allele CA972242.

ClinVar aggregate classification (germline): Uncertain significance (1 of 4 stars; one submission).

Allele frequency attached by ClinVar (database versions not stated): ExAC 0.00001; gnomAD 0.00001; gnomAD exomes 0.00001; TOPMed 0.00001; 1000 Genomes Project 30x 0.00016; 1000 Genomes Project 0.00020.
gnomAD v4.1: 13 of 1,604,658 alleles (0.00081%); highest among the groups gnomAD compares: Non-Finnish European, 0.0011%; no homozygotes.

Submission:

Labcorp Genetics (formerly Invitae), Labcorp
Classification: Uncertain significance. Last evaluated: 2022-01-07. Review status: criteria provided, single submitter. Criteria: Invitae Variant Classification Sherloc (09022015). Collection method: clinical testing. Allele origin: germline.
Comment: This sequence change replaces serine, which is neutral and polar, with glycine, which is neutral and non-polar, at codon 304 of the SLC30A7 protein (p.Ser304Gly). This variant is present in population databases (rs200148833, gnomAD 0.0009%). This variant has not been reported in the literature in individuals affected with SLC30A7-related conditions. Algorithms developed to predict the effect of missense changes on protein structure and function (SIFT, PolyPhen-2, Align-GVGD) all suggest that this variant is likely to be tolerated. In summary, the available evidence is currently insufficient to determine the role of this variant in disease. Therefore, it has been classified as a Variant of Uncertain Significance.